The following is an entry in ClinVar:

NC_012920.1(MT-ND4):m.11428C>T

Gene: MT-ND4 (mitochondrially encoded NADH dehydrogenase 4; plus strand).
Variant type: single nucleotide variant.
Genome position: chrM-11428-C-T.
Identifiers: ClinVar variation 377260 (VCV000377260.3), dbSNP rs1057520176, ClinGen allele CA16603319.

ClinVar aggregate classification (germline): Likely benign (1 of 4 stars; one submission).

Submission:

Center for Pediatric Genomic Medicine, Children's Mercy Hospital and Clinics
Classification: Likely benign. Last evaluated: 2016-09-14. Review status: criteria provided, single submitter. Criteria: ACMG Guidelines, 2015. Collection method: clinical testing. Allele origin: germline.
ClinVar note: Converted during submission from Likely Benign to Likely benign.